The following is an entry in ClinVar:

ClinVar aggregate classification (germline): Uncertain significance (1 of 4 stars; one submission).

Submission:

Labcorp Genetics (formerly Invitae), Labcorp
Classification: Uncertain significance. Last evaluated: 2022-07-13. Review status: criteria provided, single submitter. Criteria: Invitae Variant Classification Sherloc (09022015). Collection method: clinical testing. Allele origin: germline.
Comment: This sequence change replaces valine, which is neutral and non-polar, with leucine, which is neutral and non-polar, at codon 567 of the ZNF341 protein (p.Val567Leu). This variant is not present in population databases (gnomAD no frequency). This variant has not been reported in the literature in individuals affected with ZNF341-related conditions. Algorithms developed to predict the effect of missense changes on protein structure and function are either unavailable or do not agree on the potential impact of this missense change (SIFT: "Deleterious"; PolyPhen-2: "Benign"; Align-GVGD: "Class C0"). In summary, the available evidence is currently insufficient to determine the role of this variant in disease. Therefore, it has been classified as a Variant of Uncertain Significance.

NM_001282933.2(ZNF341):c.1720G>C (p.Val574Leu)

Gene: ZNF341 (zinc finger protein 341; plus strand). Cytogenetic location: 20q11.22.
Variant type: single nucleotide variant.
Coding change: c.1720G>C on transcript NM_001282933.2 (MANE Select); coding-DNA position 1720, G replaced by C.
Protein change: p.Val574Leu; replaces valine 574 with leucine.
Molecular consequence: missense variant. On other transcripts: non-coding transcript variant (1).
Genome position (GRCh38, 1-based): chr20:33,783,732, G>C. VCF-style: chr20-33783732-G-C. GRCh37 (hg19) VCF-style: chr20-32371538-G-C.
Other names: c.1450G>C, p.Val484Leu (NM_001282935.2); c.1699G>C, p.Val567Leu (NM_032819.5); short protein forms V484L, V574L, V567L.
Identifiers: ClinVar variation 2016529 (VCV002016529.1), dbSNP rs2515502155, ClinGen allele CA408639605.
Genomic context (GRCh38, chr20:33,783,732, plus strand): 5'-AAGATGGCCAGGGGAGGGGGGCCCGGTGAGTCAGACCTGAAGGCCCCTCTTCTCTCCCAG[G>C]TGTTTCCTTGTGAACGCTACCTGCGGCGTCATCTGCCCACCCACGGCAGCGGGGGCAGGT-3'
Protein context (NP_001269862.1, residues 564-584): HNFPCPHCQK[Val574Leu]FPCERYLRRH